The following is an entry in ClinVar:

ClinVar aggregate classification (germline): Conflicting classifications of pathogenicity. Review status: criteria provided, conflicting classifications (1 of 4 stars). 2 submissions from 2 submitters: Pathogenic (1); Uncertain significance (1). Last evaluated 2025-05-08.

Conditions:
Karayol-Borroto-Haghshenas neurodevelopmental syndrome. Identifiers: MedGen C5975476, MONDO:0975836, OMIM 620985.

Submissions (2):

Medical Genetics Clinic, University of Catania
Classification: Pathogenic for Karayol-Borroto-Haghshenas neurodevelopmental syndrome. Last evaluated: 2025-05-08. Review status: criteria provided, single submitter. Criteria: ACMG Guidelines, 2015. Collection method: clinical testing. Allele origin: germline. Inheritance: Autosomal dominant inheritance. Affected: yes. Observed: 1 heterozygote.
Comment: The c.119A>G variant in the MSL2 gene causes the substitution of a Glutamine, which is polar and neutral, with an Arginine, which is polar and positive, at position 40 (p.Gln40Arg). This variant is not present in GnomAD v2. In silico prediction tools suggest a detrimental effect on the structure/activity of the protein (Polyphen2: probably demaging, SIFT: deleterious, MutationTaster: disease causing). In the light of the above the c.119A>G variant in the MSL2 gene has been classified as a Pathogenic variant.

Blueprint Genetics
Classification: Uncertain significance. Last evaluated: 2024-10-21. Review status: criteria provided, single submitter. Criteria: ACMG Guidelines, 2015. Collection method: clinical testing. Allele origin: germline.

NM_018133.4(MSL2):c.119A>G (p.Gln40Arg)

Gene: MSL2 (MSL complex subunit 2; minus strand). Cytogenetic location: 3q22.3.
Variant type: single nucleotide variant.
Coding change: c.119A>G on transcript NM_018133.4 (MANE Select); coding-DNA position 119, A replaced by G.
Protein change: p.Gln40Arg; replaces glutamine 40 with arginine.
Molecular consequence: missense variant.
Genome position (GRCh38, 1-based): chr3:136,194,995, T>C on the plus strand (A>G on the coding strand, the complement: MSL2 is on the minus strand). VCF-style: chr3-136194995-T-C. GRCh37 (hg19) VCF-style: chr3-135913837-T-C.
Other names: p.Gln40Arg; short protein forms Q40R.
Identifiers: ClinVar variation 3902836 (VCV003902836.2).
Genomic context (GRCh38, chr3:136,194,995, plus strand): 5'-ACAAGCATTGAAAAGGGAACAATAAAAAGCGTCTCACCGCAAACACAGCACGAAAGGGAC[T>C]GTCGGAAGTAAGGCAAGAGCCTGTTAATCTCAGTAAACGCCTTGGGGTCTCCGGGGTCGT-3'
Protein context (NP_060603.2, residues 30-50): EINRLLPYFR[Gln40Arg]SLSCCVCGHL